The following is an entry in ClinVar:

NM_000090.4(COL3A1):c.2093C>T (p.Ala698Val)

Gene: COL3A1 (collagen type III alpha 1 chain; plus strand). Cytogenetic location: 2q32.2.
Variant type: single nucleotide variant.
Coding change: c.2093C>T on transcript NM_000090.4 (MANE Select); coding-DNA position 2093, C replaced by T.
Protein change: p.Ala698Val; replaces alanine 698 with valine.
Molecular consequence: missense variant.
Genome position (GRCh38, 1-based): chr2:188,999,355, C>T. VCF-style: chr2-188999355-C-T. GRCh37 (hg19) VCF-style: chr2-189864081-C-T.
Other names: short protein forms A698V.
Identifiers: ClinVar variation 4757842 (VCV004757842.1).

ClinVar aggregate classification (germline): Uncertain significance (1 of 4 stars; one submission).

Conditions:
Familial thoracic aortic aneurysm and aortic dissection (TAAD). Also called: Thoracic aortic aneurysms and dissections. Identifiers: Orphanet 91387, MedGen C4707243, MONDO:0019625.

Submission:

Color Diagnostics, LLC DBA Color Health
Classification: Uncertain significance for Familial thoracic aortic aneurysm and aortic dissection. Last evaluated: 2025-08-30. Review status: criteria provided, single submitter. Criteria: ACMG Guidelines, 2015. Collection method: clinical testing. Allele origin: germline.
Comment: This missense variant replaces alanine with valine at codon 698 of the COL3A1 protein. Computational prediction suggests that this variant may not impact protein structure and function. To our knowledge, functional studies have not been reported for this variant. This variant has not been reported in individuals affected with COL3A1-related disorders in the literature. This variant has not been identified in the general population by the Genome Aggregation Database (gnomAD). The available evidence is insufficient to determine the role of this variant in disease conclusively. Therefore, this variant is classified as a Variant of Uncertain Significance.